The following is an entry in ClinVar:

NM_138691.3(TMC1):c.236+1G>A

Gene: TMC1 (transmembrane channel like 1; plus strand). Cytogenetic location: 9q21.13.
Variant type: single nucleotide variant.
Coding change: c.236+1G>A on transcript NM_138691.3 (MANE Select); the canonical splice donor site of the intron after coding-DNA position 236, G replaced by A.
Molecular consequence: splice donor variant.
Genome position (GRCh38, 1-based): chr9:72,694,715, G>A. VCF-style: chr9-72694715-G-A. GRCh37 (hg19) VCF-style: chr9-75309631-G-A.
Identifiers: ClinVar variation 504715 (VCV000504715.45), dbSNP rs775428246, ClinGen allele CA5081626.

ClinVar aggregate classification (germline): Pathogenic. Review status: criteria provided, multiple submitters, no conflicts (2 of 4 stars). 13 submissions from 13 submitters: Pathogenic (11). 2 of the submissions do not count toward it. Last evaluated 2026-04-23.

Conditions:
Monogenic hearing loss.
TMC1-related disorder. Also called: TMC1-related condition; TMC1-related disorders.
Autosomal dominant nonsyndromic hearing loss 36. Identifiers: Orphanet 90635, MedGen C1847626, MONDO:0011708, OMIM 606705.
Autosomal recessive nonsyndromic hearing loss 7. Also called: DEAFNESS, AUTOSOMAL RECESSIVE 11. Identifiers: Orphanet 90636, MedGen C1832978, MONDO:0010967, OMIM 600974.
Ear malformation. Also called: CUP EAR; Abnormality of the ear. Identifiers: MedGen C0266589, MONDO:0007500, OMIM 128600, HP:0000598.
Rare genetic deafness. Identifiers: Orphanet 96210, MedGen C5680250.
Hearing loss, autosomal recessive. Also called: Autosomal recessive nonsyndromic deafness; Nonsyndromic Hearing Loss, Recessive; Deafness, autosomal recessive; Rare autosomal recessive non-syndromic sensorineural deafness type DFNB. Identifiers: Orphanet 90635, Orphanet 90636, MedGen C1846647, MONDO:0019588, OMIM 607197.

Allele frequency attached by ClinVar (database versions not stated): TOPMed 0.00001; gnomAD 0.00003.
gnomAD v4.1: 38 of 1,604,820 alleles (0.0024%); highest among the groups gnomAD compares: Middle Eastern, 0.033%; no homozygotes.

Submissions (13):

Genetics Laboratory, Great Ormond Street Hospital NHS Foundation Trust, North Thames Genomic Laboratory Hub
Classification: Pathogenic for Monogenic hearing loss. Last evaluated: 2026-04-23. Review status: criteria provided, single submitter. Criteria: ACGS Best Practice Guidelines for Variant Classification in Rare Disease 2024 v1.2. Collection method: clinical testing. Allele origin: germline. Affected: yes.
Comment: PM2_moderate, PVS1_very-strong, PS1_supporting, PP1_strong, PM3_strong

Blueprint Genetics
Classification: Pathogenic for TMC1-related disorders. Last evaluated: 2024-10-04. Review status: criteria provided, single submitter. Criteria: ACMG Guidelines, 2015. Collection method: clinical testing. Allele origin: germline. Affected: yes. Observed: 3 variant alleles.

Fulgent Genetics
Classification: Pathogenic for Autosomal recessive nonsyndromic hearing loss 7; Autosomal dominant nonsyndromic hearing loss 36. Last evaluated: 2024-06-11. Review status: criteria provided, single submitter. Criteria: ACMG Guidelines, 2015. Collection method: clinical testing. Allele origin: germline.

Laboratory of Human Genetics, Universidade de São Paulo
Classification: Pathogenic for Hearing loss, autosomal recessive. Last evaluated: 2024-05-01. Review status: criteria provided, single submitter. Criteria: ClinGen HL ACMG Specifications v1. Collection method: research. Allele origin: paternal. Affected: yes. Observed: 2 variant alleles.
Comment: The NM_138691.2:c.[236+1G>A] variant is a null variant in a gene where loss of function is a known mechanism of disease (PVS1), Extremely low frequency in gnomAD population databases (PM2), For recessive disorders, detected in trans with a pathogenic variant, or in a homozygous or compound heterozygous state in affected cases (PM3), Cosegregation with disease in multiple affected family members in a gene definitively known to cause the disease (PP1), reported in ClinVar in affected individuals (PP5), Here it was found in trans with c.1094G>A in two affected siblings, born from unaffected unrelated couple.

Labcorp Genetics (formerly Invitae), Labcorp
Classification: Pathogenic. Last evaluated: 2023-12-03. Review status: criteria provided, single submitter. Criteria: Invitae Variant Classification Sherloc (09022015). Collection method: clinical testing. Allele origin: germline.
Comment: This sequence change affects a donor splice site in intron 7 of the TMC1 gene. It is expected to disrupt RNA splicing. Variants that disrupt the donor or acceptor splice site typically lead to a loss of protein function (PMID: 16199547), and loss-of-function variants in TMC1 are known to be pathogenic (PMID: 11850618, 22105175). The frequency data for this variant in the population databases is considered unreliable, as metrics indicate poor data quality at this position in the gnomAD database. Disruption of this splice site has been observed in individuals with autosomal recessive deafness (PMID: 18616530, 23767834, 31028865, 31541171). ClinVar contains an entry for this variant (Variation ID: 504715). Algorithms developed to predict the effect of sequence changes on RNA splicing suggest that this variant may disrupt the consensus splice site. For these reasons, this variant has been classified as Pathogenic.

GeneDx
Classification: Pathogenic. Last evaluated: 2022-09-10. Review status: criteria provided, single submitter. Criteria: GeneDx Variant Classification Process June 2021. Collection method: clinical testing. Allele origin: germline. Affected: yes.
Comment: Canonical splice site variant predicted to result in a null allele in a gene for which loss of function is a known mechanism of disease; This variant is associated with the following publications: (PMID: 25525159, 31541171, 18616530, 31028865, 21250555, 31589614, 33205915, 23767834, 27344577)

Clinical Genetics Laboratory, Skane University Hospital Lund
Classification: Pathogenic. Last evaluated: 2022-05-27. Review status: criteria provided, single submitter. Criteria: ACMG Guidelines, 2015. Collection method: clinical testing. Allele origin: germline. Affected: yes.

Kariminejad - Najmabadi Pathology & Genetics Center
Classification: Pathogenic for Ear malformation. Last evaluated: 2021-07-10. Review status: criteria provided, single submitter. Criteria: ACMG Guidelines, 2015. Collection method: clinical testing. Allele origin: germline.

Genomic Research Center, Shahid Beheshti University of Medical Sciences
Classification: Pathogenic for Deafness, autosomal dominant 36. Last evaluated: 2020-05-03. Review status: criteria provided, single submitter. Criteria: ACMG Guidelines, 2015. Collection method: clinical testing. Allele origin: unknown. Affected: yes.

Laboratory for Molecular Medicine, Mass General Brigham Personalized Medicine
Classification: Pathogenic for Rare genetic deafness. Last evaluated: 2016-05-27. Review status: criteria provided, single submitter. Criteria: LMM Criteria. Collection method: clinical testing. Allele origin: germline. Inheritance: Autosomal recessive inheritance. Observed: 1 variant allele.
Comment: The c.236+1G>A variant in TMC1 has been reported in 2 homozygous individuals wit h autosomal recessive nonsyndromic sensorineural hearing loss and segregated wit h hearing loss in 4 affected relatives from those 2 families (Hilgert 2008, Hild ebrand 2010). Another variant at the same position c.236+1G>C has also been repo rted as pathogenic in the literature (Yang 2013). This variant has been identifi ed in 1/42270 European chromosomes by the Exome Aggregation Consortium (ExAC; dbSNP rs775428246). Although this variant has been seen in the general population, its frequency is low enough to be consistent wi th a recessive carrier frequency. This variant occurs in the invariant region (+ /- 1/2) of the splice consensus sequence and is predicted to cause altered splic ing leading to an abnormal or absent protein. Loss of function of the TMC1 gene is an established disease mechanism in autosomal recessive nonsyndromic sensorin eural hearing loss. In summary, this variant meets our criteria to be classified as pathogenic for autosomal recessive nonsyndromic sensorineural hearing loss.

Baylor-Hopkins Center for Mendelian Genomics, Johns Hopkins University School of Medicine
Classification: Pathogenic for Autosomal recessive nonsyndromic hearing loss 7. Review status: criteria provided, single submitter. Criteria: ACMG Guidelines, 2015. Collection method: research. Allele origin: unknown. Affected: yes. Observed: 1 variant allele, 1 homozygote.

Zotz-Klimas Genetics Lab, MVZ Zotz Klimas
Classification: Pathogenic for Autosomal recessive nonsyndromic hearing loss 7. Last evaluated: 2023-10-09. Review status: no assertion criteria provided. Collection method: clinical testing. Allele origin: germline. Affected: yes. Not counted in ClinVar's aggregate classification.

Genetic Testing Center for Deafness, Department of Otolaryngology Head & Neck Surgery, Institute of Otolaryngology, Chinese PLA General Hospital
Classification: Pathogenic for Autosomal recessive nonsyndromic hearing loss 7. Last evaluated: 2019-02-26. Review status: no assertion criteria provided. Collection method: case-control. Allele origin: inherited. Affected: yes. Observed: 2 variant alleles. Not counted in ClinVar's aggregate classification.

Literature cited by the submitters: PubMed 16199547 (cited by Labcorp Genetics (formerly Invitae), Labcorp); PubMed 11850618 (cited by Labcorp Genetics (formerly Invitae), Labcorp); PubMed 22105175 (cited by Labcorp Genetics (formerly Invitae), Labcorp); PubMed 18616530 (cited by Labcorp Genetics (formerly Invitae), Labcorp and Laboratory for Molecular Medicine, Mass General Brigham Personalized Medicine); PubMed 23767834 (cited by Labcorp Genetics (formerly Invitae), Labcorp); PubMed 31028865 (cited by Labcorp Genetics (formerly Invitae), Labcorp); PubMed 31541171 (cited by Labcorp Genetics (formerly Invitae), Labcorp); PubMed 22607986 (cited by Laboratory for Molecular Medicine, Mass General Brigham Personalized Medicine); PubMed 21250555 (cited by Laboratory for Molecular Medicine, Mass General Brigham Personalized Medicine).